The following is an entry in ClinVar:

ClinVar aggregate classification (germline): Pathogenic (1 of 4 stars; one submission).

Submission:

Quest Diagnostics Nichols Institute San Juan Capistrano
Classification: Pathogenic. Last evaluated: 2023-07-26. Review status: criteria provided, single submitter. Criteria: ACMG/ClinGen CNV Guidelines, 2019. Collection method: clinical testing. Allele origin: unknown.
Comment: The deletion is consistent with the 17q21.3 recurrent region (ISCA-37420), haploinsufficiency of which is associated with Koolen-de Vries syndrome (KDVS; OMIM 610443). Therefore, this variant is classified as pathogenic. References: Koolen et al. GeneReviews [Internet]. 2023 Feb 2. PMID:20301785

GRCh37/hg19 17q21.31(chr17:43622197-44212416)x1

Genes: CRHR1 (corticotropin releasing hormone receptor 1), KANSL1 (KAT8 regulatory NSL complex subunit 1), MAPT (microtubule associated protein tau), SPPL2C (signal peptide peptidase like 2C), STH (saitohin). Cytogenetic location: 17q21.31.
Variant type: copy number loss.
Change: copy number 1 (one copy instead of two) of chr17:43,622,197-44,212,416 (590.2 kb, GRCh37 coordinates, 1-based), cytogenetic band 17q21.31.
Identifiers: ClinVar variation 1808674 (VCV001808674.1).